The following is an entry in ClinVar:

NM_022726.4(ELOVL4):c.739A>C (p.Met247Leu)

Gene: ELOVL4 (ELOVL fatty acid elongase 4; minus strand). Cytogenetic location: 6q14.1.
Variant type: single nucleotide variant.
Coding change: c.739A>C on transcript NM_022726.4 (MANE Select); coding-DNA position 739, A replaced by C.
Protein change: p.Met247Leu; replaces methionine 247 with leucine.
Molecular consequence: missense variant.
Genome position (GRCh38, 1-based): chr6:79,916,814, T>G on the plus strand (A>C on the coding strand, the complement: ELOVL4 is on the minus strand). VCF-style: chr6-79916814-T-G. GRCh37 (hg19) VCF-style: chr6-80626531-T-G.
Other names: short protein forms M247L.
Identifiers: ClinVar variation 2103056 (VCV002103056.4), dbSNP rs2532967826, ClinGen allele CA364655955.
Genomic context (GRCh38, chr6:79,916,814, plus strand): 5'-TGTAGAAGTTAAGAAAGAGAAATATGAAGCTGATTGCATAGGCAATTAGAGCCCAGTGCA[T>G]CCATTTGGGGAAGGGGCAGTCAGTGTAAAGAGACAGTGCCGTGTGCCCAATGGTCACATG-3'
Protein context (NP_073563.1, residues 237-257): LYTDCPFPKW[Met247Leu]HWALIAYAIS

ClinVar aggregate classification (germline): Uncertain significance (1 of 4 stars; one submission).

Submission:

Labcorp Genetics (formerly Invitae), Labcorp
Classification: Uncertain significance. Last evaluated: 2022-03-10. Review status: criteria provided, single submitter. Criteria: Invitae Variant Classification Sherloc (09022015). Collection method: clinical testing. Allele origin: germline.
Comment: In summary, the available evidence is currently insufficient to determine the role of this variant in disease. Therefore, it has been classified as a Variant of Uncertain Significance. Algorithms developed to predict the effect of missense changes on protein structure and function are either unavailable or do not agree on the potential impact of this missense change (SIFT: "Tolerated"; PolyPhen-2: "Possibly Damaging"; Align-GVGD: "Class C0"). This variant has not been reported in the literature in individuals affected with ELOVL4-related conditions. This variant is not present in population databases (gnomAD no frequency). This sequence change replaces methionine, which is neutral and non-polar, with leucine, which is neutral and non-polar, at codon 247 of the ELOVL4 protein (p.Met247Leu).